The following is an entry in ClinVar:

ClinVar aggregate classification (germline): Uncertain significance (1 of 4 stars; one submission).

Conditions:
Hereditary cancer-predisposing syndrome. Also called: Neoplastic Syndromes, Hereditary; Tumor predisposition; Hereditary Cancer Syndrome; Hereditary neoplastic syndrome. Identifiers: Orphanet 140162, MedGen C0027672, MeSH D009386, MONDO:0015356.

Submission:

Ambry Genetics
Classification: Uncertain significance for Hereditary cancer-predisposing syndrome. Last evaluated: 2026-04-22. Review status: criteria provided, single submitter. Criteria: Ambry Variant Classification Scheme 2023. Collection method: clinical testing. Allele origin: germline.
Comment: The p.A428D variant (also known as c.1283C>A), located in coding exon 9 of the BMPR1A gene, results from a C to A substitution at nucleotide position 1283. The alanine at codon 428 is replaced by aspartic acid, an amino acid with dissimilar properties. This amino acid position is conserved. In addition, this alteration is predicted to be deleterious by in silico analysis. Based on the available evidence, the clinical significance of this variant remains unclear.

NM_004329.3(BMPR1A):c.1283C>A (p.Ala428Asp)

Gene: BMPR1A (bone morphogenetic protein receptor type 1A; plus strand). Cytogenetic location: 10q23.2.
Variant type: single nucleotide variant.
Coding change: c.1283C>A on transcript NM_004329.3 (MANE Select); coding-DNA position 1283, C replaced by A.
Protein change: p.Ala428Asp; replaces alanine 428 with aspartic acid.
Molecular consequence: missense variant. On other transcripts: non-coding transcript variant (3).
Genome position (GRCh38, 1-based): chr10:86,921,636, C>A. VCF-style: chr10-86921636-C-A. GRCh37 (hg19) VCF-style: chr10-88681393-C-A.
Other names: c.1199C>A, p.Ala400Asp (NM_001406584.1, NM_001406585.1, NM_001406586.1 and 2 more transcripts); c.941C>A, p.Ala314Asp (NM_001406589.1); c.1358C>A, p.Ala453Asp (NM_001406559.1); c.1331C>A, p.Ala444Asp (NM_001406560.1); c.1283C>A, p.Ala428Asp (NM_001406561.1, NM_001406562.1, NM_001406563.1 and 19 more transcripts); c.1277C>A, p.Ala426Asp (NM_001406583.1); short protein forms A314D, A400D, A426D, A428D, A444D, A453D.
Identifiers: ClinVar variation 4867556 (VCV004867556.1).